The following is an entry in ClinVar:

ClinVar aggregate classification (germline): Uncertain significance. Review status: criteria provided, multiple submitters, no conflicts (2 of 4 stars). 2 submissions from 2 submitters: Uncertain significance (2). Last evaluated 2025-01-01.

Conditions:
Supravalvar aortic stenosis (SVAS). Also called: Supravalvar aortic stenosis, Eisenberg type. Identifiers: Orphanet 3193, MedGen C0003499, MONDO:0008504, OMIM 185500, HP:0004381.

Allele frequency attached by ClinVar (database versions not stated): gnomAD exomes below 0.00001; TOPMed below 0.00001.
gnomAD v4.1: 2 of 1,613,924 alleles (0.00012%); highest among the groups gnomAD compares: Non-Finnish European, 0.00017%; no homozygotes.

Submissions (2):

Labcorp Genetics (formerly Invitae), Labcorp
Classification: Uncertain significance for Supravalvar aortic stenosis. Last evaluated: 2025-01-01. Review status: criteria provided, single submitter. Criteria: Invitae Variant Classification Sherloc (09022015). Collection method: clinical testing. Allele origin: germline.
Comment: This sequence change replaces lysine, which is basic and polar, with isoleucine, which is neutral and non-polar, at codon 786 of the ELN protein (p.Lys786Ile). This variant is not present in population databases (gnomAD no frequency). This variant has not been reported in the literature in individuals affected with ELN-related conditions. ClinVar contains an entry for this variant (Variation ID: 2413019). Experimental studies and prediction algorithms are not available or were not evaluated, and the functional significance of this variant is currently unknown. In summary, the available evidence is currently insufficient to determine the role of this variant in disease. Therefore, it has been classified as a Variant of Uncertain Significance.

GeneDx
Classification: Uncertain significance. Last evaluated: 2023-01-27. Review status: criteria provided, single submitter. Criteria: GeneDx Variant Classification Process June 2021. Collection method: clinical testing. Allele origin: germline. Affected: yes.
Comment: Has not been previously published as pathogenic or benign to our knowledge; Not observed at significant frequency in large population cohorts (gnomAD); In silico analysis supports that this missense variant has a deleterious effect on protein structure/function

NM_000501.4(ELN):c.2171A>T (p.Lys724Ile)

Gene: ELN (elastin; plus strand). Cytogenetic location: 7q11.23.
Variant type: single nucleotide variant.
Coding change: c.2171A>T on transcript NM_000501.4 (MANE Select); coding-DNA position 2171, A replaced by T.
Protein change: p.Lys724Ile; replaces lysine 724 with isoleucine.
Molecular consequence: missense variant.
Genome position (GRCh38, 1-based): chr7:74,068,696, A>T. VCF-style: chr7-74068696-A-T. GRCh37 (hg19) VCF-style: chr7-73483026-A-T.
Other names: c.2030A>T, p.Lys677Ile (NM_001081752.3); c.2075A>T, p.Lys692Ile (NM_001081753.3); c.2132A>T, p.Lys711Ile (NM_001081754.3); c.2114A>T, p.Lys705Ile (NM_001081755.3); c.2117A>T, p.Lys706Ile (NM_001278912.2); c.1928A>T, p.Lys643Ile (NM_001278913.2); c.2099A>T, p.Lys700Ile (NM_001278914.2); c.2189A>T, p.Lys730Ile (NM_001278915.2); and 4 more; short protein forms K617I, K643I, K658I, K677I, K692I, K700I, K705I, K706I.
Identifiers: ClinVar variation 2413019 (VCV002413019.5), dbSNP rs971612292, ClinGen allele CA160114790.